The following is an entry in ClinVar:

ClinVar aggregate classification (germline): Likely benign (1 of 4 stars; one submission).

Conditions:
ATM-related disorder. Also called: ATM-related disorders; ATM-related condition.

gnomAD v4.1: 1 of 152,078 alleles (0.00066%); highest among the groups gnomAD compares: Admixed American, 0.0066%; no homozygotes.

Submission:

PreventionGenetics, part of Exact Sciences
Classification: Likely benign for ATM-related condition. Last evaluated: 2025-06-10. Review status: criteria provided, single submitter. Criteria: ACMG Guidelines, 2015. Collection method: clinical testing. Allele origin: germline.
Comment: This variant is classified as likely benign based on ACMG/AMP sequence variant interpretation guidelines (Richards et al. 2015 PMID: 25741868, with internal and published modifications).

NM_000051.4(ATM):c.2839-574A>G

Gene: ATM (ATM serine/threonine kinase; plus strand). Cytogenetic location: 11q22.3.
Variant type: single nucleotide variant.
Coding change: c.2839-574A>G on transcript NM_000051.4 (MANE Select); 574 bases into the intron before coding-DNA position 2839, A replaced by G.
Molecular consequence: intron variant.
Genome position (GRCh38, 1-based): chr11:108,270,490, A>G. VCF-style: chr11-108270490-A-G. GRCh37 (hg19) VCF-style: chr11-108141217-A-G.
Other names: c.2839-574A>G (NM_001351834.2).
Identifiers: ClinVar variation 4988417 (VCV004988417.1).